The following is an entry in ClinVar:

ClinVar aggregate classification (germline): Uncertain significance (1 of 4 stars; one submission).

Submission:

CeGaT Center for Human Genetics Tuebingen
Classification: Uncertain significance. Last evaluated: 2025-10-01. Review status: criteria provided, single submitter. Criteria: CeGaT Center For Human Genetics Tuebingen Variant Classification Criteria Version 2. Collection method: clinical testing. Allele origin: germline. Affected: yes. Observed: 1 variant allele.
Comment: DNAAF1: PVS1:Moderate

NM_178452.6(DNAAF1):c.2072_2075del (p.Thr691fs)

Gene: DNAAF1 (dynein axonemal assembly factor 1; plus strand). Cytogenetic location: 16q24.1.
Variant type: Deletion.
Coding change: c.2072_2075del on transcript NM_178452.6 (MANE Select); coding-DNA positions 2072 to 2075, 4 bases deleted (CTGA; older notation c.2072_2075delCTGA).
Protein change: p.Thr691fs; shifts the reading frame from threonine 691.
Molecular consequence: frameshift variant.
Genome position (GRCh38, 1-based): chr16:84,177,735-84,177,738, CTGA deleted; deleting any 4 consecutive bases within chr16:84,177,733-84,177,738 gives the same sequence; the c. name uses the placement nearest the transcript's 3' end. VCF-style (leftmost placement, unchanged base first): chr16-84177732-CGACT-C. GRCh37 (hg19) VCF-style: chr16-84211338-CGACT-C.
Other names: c.1364_1367del, p.Thr455fs (NM_001318756.1); short protein forms T455fs, T691fs.
Identifiers: ClinVar variation 4534278 (VCV004534278.6).
Genomic context (GRCh38, chr16:84,177,732, plus strand): 5'-CCTGTCCTTGCAGTCACAGTGACAGGGAGAAAGCACAGGTCACCCTTCCTTCCACAGTGC[CGACT>C]GAGAGCGCCGCCACACCCCCAGAGACGTGTGTCGGAGTTGCCCAGCCCAGCCAAGCTCTG-3'